The following is an entry in ClinVar:

NM_004006.3(DMD):c.5953del (p.Val1984_Met1985insTer)

Gene: DMD (dystrophin; minus strand). Cytogenetic location: Xp21.1.
Variant type: Deletion.
Coding change: c.5953del on transcript NM_004006.3 (MANE Select); coding-DNA position 5953, one base deleted (A; older notation c.5953delA).
Protein change: p.Val1984_Met1985insTer.
Molecular consequence: nonsense.
Genome position (GRCh38, 1-based): chrX:32,310,246, T deleted on the plus strand (A on the coding strand, the reverse complement: DMD is on the minus strand). VCF-style (leftmost placement, unchanged base first): chrX-32310245-AT-A. GRCh37 (hg19) VCF-style: chrX-32328362-AT-A.
Other names: c.5929del, p.Val1976_Met1977insTer (NM_000109.4); c.5941del, p.Val1980_Met1981insTer (NM_004009.3); c.5584del, p.Val1861_Met1862insTer (NM_004010.3); c.1930del, p.Val643_Met644insTer (NM_004011.4); c.1921del, p.Val640_Met641insTer (NM_004012.4).
Identifiers: ClinVar variation 1404718 (VCV001404718.6), dbSNP rs2148596228, ClinGen allele CA2573158664.

ClinVar aggregate classification (germline): Pathogenic (1 of 4 stars; one submission).

Conditions:
Duchenne muscular dystrophy (DMD). Also called: MUSCULAR DYSTROPHY, PSEUDOHYPERTROPHIC PROGRESSIVE, DUCHENNE TYPE; Duchenne Muscular Dystrophy (DMD). Identifiers: Orphanet 98896, MedGen C0013264, MONDO:0010679, OMIM 310200.

Submission:

Labcorp Genetics (formerly Invitae), Labcorp
Classification: Pathogenic for Duchenne muscular dystrophy. Last evaluated: 2025-10-02. Review status: criteria provided, single submitter. Criteria: Invitae Variant Classification Sherloc (09022015). Collection method: clinical testing. Allele origin: germline.
Comment: This sequence change creates a premature translational stop signal (p.Met1985*) in the DMD gene. It is expected to result in an absent or disrupted protein product. Loss-of-function variants in DMD are known to be pathogenic (PMID: 16770791, 25007885). This variant is not present in population databases (gnomAD no frequency). This variant has not been reported in the literature in individuals affected with DMD-related conditions. ClinVar contains an entry for this variant (Variation ID: 1404718). For these reasons, this variant has been classified as Pathogenic.

Literature cited by the submitters: PubMed 16770791; PubMed 25007885.